The following is an entry in ClinVar:

NM_000094.4(COL7A1):c.4012G>A (p.Gly1338Arg)

Gene: COL7A1 (collagen type VII alpha 1 chain; minus strand). Cytogenetic location: 3p21.31.
Variant type: single nucleotide variant.
Coding change: c.4012G>A on transcript NM_000094.4 (MANE Select); coding-DNA position 4012, G replaced by A.
Protein change: p.Gly1338Arg; replaces glycine 1338 with arginine.
Molecular consequence: missense variant.
Genome position (GRCh38, 1-based): chr3:48,584,769, C>T on the plus strand (G>A on the coding strand, the complement: COL7A1 is on the minus strand). VCF-style: chr3-48584769-C-T. GRCh37 (hg19) VCF-style: chr3-48622202-C-T.
Other names: c.4012G>A (NM_000094.3); c.[4012G>A] (NM_000094.3); short protein forms G1338R.
Identifiers: ClinVar variation 1048010 (VCV001048010.13), dbSNP rs1156352791, ClinGen allele CA352696856.

ClinVar aggregate classification (germline): Pathogenic/Likely pathogenic. Review status: criteria provided, multiple submitters, no conflicts (2 of 4 stars). 7 submissions from 7 submitters: Pathogenic (4); Likely pathogenic (3). Last evaluated 2025-02-12.

Conditions:
Transient bullous dermolysis of the newborn (TBDN). Also called: EPIDERMOLYSIS BULLOSA DYSTROPHICA, NEONATAL FORM; DYSTROPHIC EPIDERMOLYSIS BULLOSA, NEONATAL. Identifiers: Orphanet 79411, MedGen C1851573, MONDO:0007548, OMIM 131705.
Recessive dystrophic epidermolysis bullosa (RDEB). Also called: Recessive DEB (RDEB); DYSTROPHIC EPIDERMOLYSIS BULLOSA, AUTOSOMAL RECESSIVE; EPIDERMOLYSIS BULLOSA DYSTROPHICA, HALLOPEAU-SIEMENS TYPE; Epidermolysis Bullosa Distrophica Autosomal Recessive (RDEB); Hallopeau-Siemens Disease; severe generalized recessive dystrophic epidermolysis bullosa. Identifiers: Orphanet 79408, Orphanet 79409, MedGen C0079474, MONDO:0009179, OMIM 226600.
Nonsyndromic congenital nail disorder 8. Also called: TOENAIL DYSTROPHY, ISOLATED. Identifiers: MedGen C1843761, MONDO:0011852, OMIM 607523.
Epidermolysis bullosa pruriginosa. Also called: DEB, PRURIGINOSA; DYSTROPHIC EPIDERMOLYSIS BULLOSA PRURIGINOSA. Identifiers: Orphanet 89843, MedGen C1275114, MONDO:0011398, OMIM 604129.
Pretibial dystrophic epidermolysis bullosa. Also called: EPIDERMOLYSIS BULLOSA DYSTROPHICA, PRETIBIAL; Pretibial epidermolysis bullosa; Pretibial blistering. Identifiers: Orphanet 79410, MedGen C0432321, MONDO:0007552, OMIM 131850, HP:0012221.
Dominant dystrophic epidermolysis bullosa with absence of skin. Also called: EPIDERMOLYSIS BULLOSA DYSTROPHICA, BART TYPE; EPIDERMOLYSIS BULLOSA WITH CONGENITAL LOCALIZED ABSENCE OF SKIN AND DEFORMITY OF NAILS. Identifiers: MedGen C0268371, MONDO:0007557, OMIM 132000.
Generalized dominant dystrophic epidermolysis bullosa (DDEB). Also called: Dominant DEB (DDEB); DDEB, generalized; DDEB-gen; DYSTROPHIC EPIDERMOLYSIS BULLOSA, AUTOSOMAL DOMINANT; Epidermolysis bullosa dystrophica, autosomal dominant. Identifiers: Orphanet 231568, MedGen C0432322, MONDO:0007549, OMIM 131750.
Epidermolysis bullosa dystrophica. Also called: Dystrophic epidermolysis bullosa, Hallopeau-Siemens type (formerly); Dystrophic epidermolysis bullosa. Identifiers: Orphanet 303, MedGen C0079294, MONDO:0006543.

Allele frequency attached by ClinVar (database versions not stated): gnomAD exomes below 0.00001.
gnomAD v4.1: 2 of 1,614,012 alleles (0.00012%); highest among the groups gnomAD compares: Admixed American, 0.0017%; no homozygotes.

Submissions (7):

Myriad Genetics, Inc.
Classification: Pathogenic for Recessive dystrophic epidermolysis bullosa. Last evaluated: 2025-02-12. Review status: criteria provided, single submitter. Criteria: Myriad Autosomal Dominant, Autosomal Recessive and X-Linked Classification Criteria (2023). Collection method: clinical testing. Allele origin: unknown.
Comment: NM_000094.3(COL7A1):c.4012G>A(G1338R) is a missense variant classified as pathogenic in the context of dystrophic epidermolysis bullosa. G1338R has been observed in cases with relevant disease (PMID: 19665875, 34435747, 37556444). Relevant functional assessments of this variant are not available in the literature. G1338R has been observed in referenced population frequency databases. In summary, NM_000094.3(COL7A1):c.4012G>A(G1338R) is a missense variant that has been observed more frequently in cases with the relevant disease than in healthy populations. Please note: this variant was assessed in the context of healthy population screening.

Natera, Inc.
Classification: Likely pathogenic for Dystrophic epidermolysis bullosa. Last evaluated: 2024-11-20. Review status: criteria provided, single submitter. Criteria: Natera Variant Classification Schema (03/2026). Collection method: clinical testing. Allele origin: germline.
Comment: The c.4012G>A variant in COL7A1 is a missense variant predicted to cause substitution of glycine to arginine at amino acid 1338. This variant is rare in the general population with a frequency below the threshold expected for the associated phenotype(s). This variant has been observed in one or more individuals affected with the associated recessive disease, as either homozygous or compound heterozygous with a second variant (PMID: 37556444, 19665875). Computational prediction algorithms indicate this variant is likely to affect gene or protein function. Given the available evidence, this variant is classified as Likely Pathogenic.

Labcorp Genetics (formerly Invitae), Labcorp
Classification: Pathogenic. Last evaluated: 2024-05-19. Review status: criteria provided, single submitter. Criteria: Invitae Variant Classification Sherloc (09022015). Collection method: clinical testing. Allele origin: germline.
Comment: This sequence change replaces glycine, which is neutral and non-polar, with arginine, which is basic and polar, at codon 1338 of the COL7A1 protein (p.Gly1338Arg). This variant is present in population databases (no rsID available, gnomAD 0.003%). This missense change has been observed in individual(s) with autosomal recessive dystrophic epidermolysis bullosa (PMID: 19665875, 34435747). ClinVar contains an entry for this variant (Variation ID: 1048010). Experimental studies and prediction algorithms are not available or were not evaluated, and the functional significance of this variant is currently unknown. This variant disrupts the triple helix domain of COL7A1. Glycine residues within the Gly-Xaa-Yaa repeats of the triple helix domain are required for the structure and stability of fibrillar collagens (PMID: 7695699, 8218237, 19344236), and variants at these glycine residues in COL7A1 are more frequently observed in individuals with disease than in the general population (PMID: 22058051). However, the clinical significance of this observation remains uncertain since only a limited number of affected individuals have been described to date. For these reasons, this variant has been classified as Pathogenic.

Fulgent Genetics
Classification: Pathogenic for Transient bullous dermolysis of the newborn; Generalized dominant dystrophic epidermolysis bullosa; Pretibial dystrophic epidermolysis bullosa; Dominant dystrophic epidermolysis bullosa with absence of skin; Recessive dystrophic epidermolysis bullosa; Epidermolysis bullosa pruriginosa; Nonsyndromic congenital nail disorder 8. Last evaluated: 2021-12-17. Review status: criteria provided, single submitter. Criteria: ACMG Guidelines, 2015. Collection method: clinical testing. Allele origin: unknown.

Biomedical Innovation Departament, CIEMAT
Classification: Pathogenic for Dystrophic epidermolysis bullosa. Last evaluated: 2019-12-15. Review status: criteria provided, single submitter. Criteria: ACMG Guidelines, 2015. Collection method: research. Allele origin: germline. Affected: yes. Observed: 5 variant alleles.

Juno Genomics, Hangzhou Juno Genomics, Inc
Classification: Likely pathogenic for Recessive dystrophic epidermolysis bullosa; Dominant dystrophic epidermolysis bullosa with absence of skin; Generalized dominant dystrophic epidermolysis bullosa; Epidermolysis bullosa pruriginosa; Pretibial dystrophic epidermolysis bullosa; Nonsyndromic congenital nail disorder 8; Transient bullous dermolysis of the newborn. Review status: criteria provided, single submitter. Criteria: ACMG Guidelines, 2015. Collection method: clinical testing. Allele origin: germline. Affected: yes.
Comment: For recessive disorders, detected in trans with a pathogenic variant.;Absent from controls (or at extremely low frequency if recessive) in Genome Aggregation Database, Exome Sequencing Project, 1000 Genomes Project, or Exome Aggregation Consortium.;Patient's phenotype or family history is highly specific for a disease with a single genetic etiology.;Multiple lines of computational evidence support a deleterious effect on the gene or gene product (conservation, evolutionary, splicing impact, etc).

Neuberg Centre For Genomic Medicine, NCGM
Classification: Likely pathogenic for Recessive dystrophic epidermolysis bullosa. Review status: criteria provided, single submitter. Criteria: ACMG Guidelines, 2015. Collection method: clinical testing. Allele origin: germline. Affected: yes.
Comment: The missense variant p.G1338R in COL7A1 (NM_000094.3) has been reported before in compound heterozygote form with an invariant spilce mutations in recessive epidermolysis bullosa (Almaani N et al). The variant has been submitted to ClinVar as Pathogenic but no details are provided for an independent assesment. The glycine substituion occurs in the triple hellical domain. The p.G1338R variant is observed in 1(0.003%) allele in gnomAD Exomes and is novel (not in any individuals) in 1000 Genomes. The p.G1338R missense variant is predicted to be damaging by both SIFT and PolyPhen2. The glycine residue at codon 1338 of COL7A1 is conserved in all mammalian species. The nucleotide c.4012 in COL7A1 is predicted conserved by GERP++ and PhyloP across 100 vertebrates. For these reasons, this variant has been classified as Likely Pathogenic.

Literature cited by the submitters: PubMed 19665875 (cited by 4 submitters); PubMed 34435747 (cited by Myriad Genetics, Inc. and Labcorp Genetics (formerly Invitae), Labcorp); PubMed 37556444 (cited by Myriad Genetics, Inc. and Natera, Inc.); PubMed 7695699 (cited by Labcorp Genetics (formerly Invitae), Labcorp); PubMed 8218237 (cited by Labcorp Genetics (formerly Invitae), Labcorp); PubMed 19344236 (cited by Labcorp Genetics (formerly Invitae), Labcorp); PubMed 22058051 (cited by Labcorp Genetics (formerly Invitae), Labcorp).